The following is an entry in ClinVar:

ClinVar aggregate classification (germline): Uncertain significance. Review status: criteria provided, multiple submitters, no conflicts (2 of 4 stars). 5 submissions from 5 submitters: Uncertain significance (5). Last evaluated 2025-11-03.

Conditions:
Charcot-Marie-Tooth disease. Also called: Charcot-Marie-Tooth Neuropathy; Charcot-Marie-Tooth Hereditary Neuropathy. Identifiers: Orphanet 166, MedGen C0007959, MONDO:0015626.
Inborn genetic diseases. Identifiers: MedGen C0950123, MeSH D030342.
Charcot-Marie-Tooth disease type 4. Also called: Charcot-Marie-Tooth, Type 4; Charcot-Marie-Tooth disease, type IV. Identifiers: Orphanet 64749, MedGen C4082197, MONDO:0018995.
SH3TC2-related disorder. Also called: SH3TC2-related condition; SH3TC2-related disorders. Identifiers: MedGen CN239303.

Allele frequency attached by ClinVar (database versions not stated): gnomAD 0.00001; gnomAD exomes 0.00002; TOPMed 0.00003.
gnomAD v4.1: 35 of 1,614,054 alleles (0.0022%); highest among the groups gnomAD compares: Admixed American, 0.0083%; no homozygotes.

Submissions (5):

PreventionGenetics, part of Exact Sciences
Classification: Uncertain significance for SH3TC2-related condition. Last evaluated: 2025-11-03. Review status: criteria provided, single submitter. Criteria: ACMG Guidelines, 2015. Collection method: clinical testing. Allele origin: germline.
Comment: The SH3TC2 c.3332G>T variant is predicted to result in the amino acid substitution p.Gly1111Val. This variant has been reported as a variant of uncertain significance in two individuals from a large cohort study of Charcot-Marie-Tooth disease; however, additional evidence was not provided (Suppl. Table 2, Volodarsky et al. 2021. PubMed ID: 32376792). This variant is reported in 0.0029% of alleles in individuals of Latino descent in gnomAD. At this time, the clinical significance of this variant is uncertain due to the absence of conclusive functional and genetic evidence.

Labcorp Genetics (formerly Invitae), Labcorp
Classification: Uncertain significance for Charcot-Marie-Tooth disease type 4. Last evaluated: 2022-02-05. Review status: criteria provided, single submitter. Criteria: Invitae Variant Classification Sherloc (09022015). Collection method: clinical testing. Allele origin: germline.
Comment: This sequence change replaces glycine, which is neutral and non-polar, with valine, which is neutral and non-polar, at codon 1111 of the SH3TC2 protein (p.Gly1111Val). This variant is present in population databases (rs200801053, gnomAD 0.006%). This missense change has been observed in individual(s) with Charcot-Marie-Tooth disease (PMID: 32376792). ClinVar contains an entry for this variant (Variation ID: 647436). Advanced modeling of protein sequence and biophysical properties (such as structural, functional, and spatial information, amino acid conservation, physicochemical variation, residue mobility, and thermodynamic stability) performed at Invitae indicates that this missense variant is not expected to disrupt SH3TC2 protein function. In summary, the available evidence is currently insufficient to determine the role of this variant in disease. Therefore, it has been classified as a Variant of Uncertain Significance.

Ambry Genetics
Classification: Uncertain significance for Inborn genetic diseases. Last evaluated: 2021-07-13. Review status: criteria provided, single submitter. Criteria: Ambry Variant Classification Scheme 2023. Collection method: clinical testing. Allele origin: germline.
Comment: The p.G1111V variant (also known as c.3332G>T), located in coding exon 15 of the SH3TC2 gene, results from a G to T substitution at nucleotide position 3332. The glycine at codon 1111 is replaced by valine, an amino acid with dissimilar properties. This amino acid position is conserved. In addition, this alteration is predicted to be deleterious by in silico analysis. Since supporting evidence is limited at this time, the clinical significance of this alteration remains unclear.

Mayo Clinic Laboratories, Mayo Clinic
Classification: Uncertain significance. Last evaluated: 2021-06-11. Review status: criteria provided, single submitter. Criteria: ACMG Guidelines, 2015. Collection method: clinical testing. Allele origin: germline.

Molecular Genetics Laboratory, London Health Sciences Centre
Classification: Uncertain significance for Charcot-Marie-Tooth disease. Review status: criteria provided, single submitter. Criteria: ACMG Guidelines, 2015. Collection method: clinical testing. Allele origin: germline. Affected: yes.

Literature cited by the submitters: PubMed 32376792 (cited by Labcorp Genetics (formerly Invitae), Labcorp).

NM_024577.4(SH3TC2):c.3332G>T (p.Gly1111Val)

Gene: SH3TC2 (SH3 domain and tetratricopeptide repeats 2; minus strand). Cytogenetic location: 5q32.
Variant type: single nucleotide variant.
Coding change: c.3332G>T on transcript NM_024577.4 (MANE Select); coding-DNA position 3332, G replaced by T.
Protein change: p.Gly1111Val; replaces glycine 1111 with valine.
Molecular consequence: missense variant.
Genome position (GRCh38, 1-based): chr5:149,008,997, C>A on the plus strand (G>T on the coding strand, the complement: SH3TC2 is on the minus strand). VCF-style: chr5-149008997-C-A. GRCh37 (hg19) VCF-style: chr5-148388560-C-A.
Other names: p.Gly1111Val; short protein forms G1111V.
Identifiers: ClinVar variation 647436 (VCV000647436.15), dbSNP rs200801053, ClinGen allele CA3498762.